The following is an entry in ClinVar:

ClinVar aggregate classification (germline): Uncertain significance (1 of 4 stars; one submission).

Conditions:
Congenital myotonia, autosomal recessive form. Also called: BECKER DISEASE; Becker Generalized Myotonia; myotonia congenita, autosomal recessive. Identifiers: Orphanet 614, MedGen C0751360, MONDO:0009715, OMIM 255700.
Congenital myotonia, autosomal dominant form (THD). Also called: THOMSEN DISEASE; Myotonia congenita autosomal dominant. Identifiers: Orphanet 614, MedGen C2936781, MONDO:0008055, OMIM 160800.

Allele frequency attached by ClinVar (database versions not stated): gnomAD exomes below 0.00001; ExAC 0.00001.
gnomAD v4.1: 2 of 1,612,878 alleles (0.00012%); highest among the groups gnomAD compares: South Asian, 0.0022%; no homozygotes.

Submission:

Labcorp Genetics (formerly Invitae), Labcorp
Classification: Uncertain significance for Congenital myotonia, autosomal recessive form; Congenital myotonia, autosomal dominant form. Last evaluated: 2022-07-30. Review status: criteria provided, single submitter. Criteria: Invitae Variant Classification Sherloc (09022015). Collection method: clinical testing. Allele origin: germline.
Comment: This sequence change replaces threonine, which is neutral and polar, with isoleucine, which is neutral and non-polar, at codon 475 of the CLCN1 protein (p.Thr475Ile). This variant is present in population databases (rs752065845, gnomAD 0.003%). This variant has not been reported in the literature in individuals affected with CLCN1-related conditions. Advanced modeling of protein sequence and biophysical properties (such as structural, functional, and spatial information, amino acid conservation, physicochemical variation, residue mobility, and thermodynamic stability) performed at Invitae indicates that this missense variant is expected to disrupt CLCN1 protein function. In summary, the available evidence is currently insufficient to determine the role of this variant in disease. Therefore, it has been classified as a Variant of Uncertain Significance.

NM_000083.3(CLCN1):c.1424C>T (p.Thr475Ile)

Gene: CLCN1 (chloride voltage-gated channel 1; plus strand). Cytogenetic location: 7q34.
Variant type: single nucleotide variant.
Coding change: c.1424C>T on transcript NM_000083.3 (MANE Select); coding-DNA position 1424, C replaced by T.
Protein change: p.Thr475Ile; replaces threonine 475 with isoleucine.
Molecular consequence: missense variant. On other transcripts: non-coding transcript variant (1).
Genome position (GRCh38, 1-based): chr7:143,339,275, C>T. VCF-style: chr7-143339275-C-T. GRCh37 (hg19) VCF-style: chr7-143036368-C-T.
Other names: short protein forms T475I.
Identifiers: ClinVar variation 1980957 (VCV001980957.1), dbSNP rs752065845, ClinGen allele CA4537371.